The following is an entry in ClinVar:

NM_001286577.2(C2CD3):c.6001del (p.Cys2001fs)

Gene: C2CD3 (C2 domain containing 3 centriole elongation regulator; minus strand). Cytogenetic location: 11q13.4.
Variant type: Deletion.
Coding change: c.6001del on transcript NM_001286577.2 (MANE Select); coding-DNA position 6001, one base deleted (T; older notation c.6001delT).
Protein change: p.Cys2001fs; shifts the reading frame from cysteine 2001.
Molecular consequence: frameshift variant.
Genome position (GRCh38, 1-based): chr11:74,034,159, A deleted on the plus strand (T on the coding strand, the reverse complement: C2CD3 is on the minus strand). VCF-style (leftmost placement, unchanged base first): chr11-74034158-CA-C. GRCh37 (hg19) VCF-style: chr11-73745203-CA-C.
Other names: short protein forms C2001fs.
Identifiers: ClinVar variation 1213728 (VCV001213728.9), dbSNP rs1398494529, ClinGen allele CA600244960.

ClinVar aggregate classification (germline): Conflicting classifications of pathogenicity. Review status: criteria provided, conflicting classifications (1 of 4 stars). 4 submissions from 4 submitters: Likely pathogenic (1); Uncertain significance (3). Last evaluated 2025-11-26.

Conditions:
Orofaciodigital syndrome type 14. Also called: Orofaciodigital syndrome xiv. Identifiers: Orphanet 434179, MedGen C4706604, MONDO:0014413, OMIM 615948.

Allele frequency attached by ClinVar (database versions not stated): gnomAD 0.00001; TOPMed 0.00002; gnomAD exomes 0.00001 and 0.00003.

Submissions (4):

Dasa
Classification: Uncertain significance. Last evaluated: 2025-11-26. Review status: criteria provided, single submitter. Criteria: DASA Assertion Criteria. Collection method: clinical testing. Allele origin: germline.
Comment: NM_001286577.2(C2CD3):c.6001del (p.Cys2001Alafs*9) is a frameshift variant in C2CD3 predicted to alter the reading frame and introduce a premature termination codon and is predicted to result in an absent or altered protein product. This variant is rare in population databases. The currently available literature and clinical evidence are not sufficient to establish a definitive association between this variant and the reported condition. Therefore, this variant is classified as a variant of uncertain significance.

Laboratory for Molecular Medicine, Mass General Brigham Personalized Medicine
Classification: Uncertain significance. Last evaluated: 2024-02-27. Review status: criteria provided, single submitter. Criteria: ACMG Guidelines, 2015. Collection method: clinical testing. Allele origin: germline.
Comment: The p.Cys2001AlafsX9 (c.6001delT) variant in C2CD3 has not been previously reported in individuals with orofaciodigital syndrome type 14 but has been reported by other clinical laboratories in ClinVar (Variation ID 1213728). It has also been identified in 0.007% (1/15282) of Admixed American chromosomes by gnomAD (v.3.1.2). This variant is predicted to cause a frameshift, which alters the protein’s amino acid sequence beginning at position 2001 and leads to a premature termination codon 9 amino acids downstream. This variant however is present in a transcript that is not predominantly expressed in the relevant tissues of interest and is therefore not the primary transcript for this gene. In the primary transcript (NM_015531.5), this variant occurs in the 3’UTR (c.*439). Therefore, the functional impact of this variant is unknown. In summary, while there is some suspicion for a pathogenic role, the clinical significance of this variant is uncertain. ACMG/AMP Criteria applied: PVS1_Moderate, PM2_Supporting.

Labcorp Genetics (formerly Invitae), Labcorp
Classification: Uncertain significance. Last evaluated: 2022-10-17. Review status: criteria provided, single submitter. Criteria: Invitae Variant Classification Sherloc (09022015). Collection method: clinical testing. Allele origin: germline.
Comment: The C2CD3 gene has multiple clinically relevant transcripts. This variant occurs in alternate transcript NM_001286577.1, and corresponds to NM_015531.5:c.*439del in the primary transcript. This sequence change creates a premature translational stop signal (p.Cys2001Alafs*9) in the C2CD3 gene. While this is anticipated to result in nonsense mediated decay, it is not known whether truncations in this region of the protein cause disease. This variant is present in population databases (no rsID available, gnomAD 0.02%). This variant has not been reported in the literature in individuals affected with C2CD3-related conditions. Experimental studies and prediction algorithms are not available or were not evaluated, and the functional significance of this variant is currently unknown. In summary, the available evidence is currently insufficient to determine the role of this variant in disease. Therefore, it has been classified as a Variant of Uncertain Significance.

New York Genome Center
Classification: Likely pathogenic for Orofaciodigital syndrome type 14. Last evaluated: 2020-11-04. Review status: criteria provided, single submitter. Criteria: NYGC Assertion Criteria 2020. Collection method: clinical testing. Allele origin: germline. Observed: 1 heterozygote. Study: CSER-NYCKidSeq.